The following is an entry in ClinVar:

ClinVar aggregate classification (germline): Uncertain significance (1 of 4 stars; one submission).

Conditions:
Early-infantile DEE. Also called: Early infantile epileptic encephalopathy; Ohtahara syndrome; Early infantile epileptic encephalopathy with suppression bursts. Identifiers: Orphanet 1934, MedGen C0393706, MONDO:0800491.

Allele frequency attached by ClinVar (database versions not stated): gnomAD exomes below 0.00001; ExAC 0.00001.

Submission:

Labcorp Genetics (formerly Invitae), Labcorp
Classification: Uncertain significance for Early-infantile DEE. Last evaluated: 2024-06-17. Review status: criteria provided, single submitter. Criteria: Invitae Variant Classification Sherloc (09022015). Collection method: clinical testing. Allele origin: germline.
Comment: This sequence change replaces proline, which is neutral and non-polar, with serine, which is neutral and polar, at codon 688 of the HCN1 protein (p.Pro688Ser). This variant is present in population databases (rs779436110, gnomAD 0.003%). This variant has not been reported in the literature in individuals affected with HCN1-related conditions. ClinVar contains an entry for this variant (Variation ID: 1504027). Advanced modeling of protein sequence and biophysical properties (such as structural, functional, and spatial information, amino acid conservation, physicochemical variation, residue mobility, and thermodynamic stability) performed at Invitae indicates that this missense variant is not expected to disrupt HCN1 protein function with a negative predictive value of 80%. In summary, the available evidence is currently insufficient to determine the role of this variant in disease. Therefore, it has been classified as a Variant of Uncertain Significance.

NM_021072.4(HCN1):c.2062C>T (p.Pro688Ser)

Gene: HCN1 (hyperpolarization activated cyclic nucleotide gated potassium channel 1; minus strand). Cytogenetic location: 5p12.
Variant type: single nucleotide variant.
Coding change: c.2062C>T on transcript NM_021072.4 (MANE Select); coding-DNA position 2062, C replaced by T.
Protein change: p.Pro688Ser; replaces proline 688 with serine.
Molecular consequence: missense variant.
Genome position (GRCh38, 1-based): chr5:45,262,532, G>A on the plus strand (C>T on the coding strand, the complement: HCN1 is on the minus strand). VCF-style: chr5-45262532-G-A. GRCh37 (hg19) VCF-style: chr5-45262634-G-A.
Other names: short protein forms P688S.
Identifiers: ClinVar variation 1504027 (VCV001504027.9), dbSNP rs779436110, ClinGen allele CA3259166.
Genomic context (GRCh38, chr5:45,262,532, plus strand): 5'-CAGGAGGGCTGCAGACCGCGGTGGTGTAGGAGCAGGGTGACAGGATGGCTGATGGCTGGG[G>A]GGTCTGTGTGCTGGGACTGGGGGAGTGCAGGTTGCTGTGAGACAGGCTGGTCGCTGTGTA-3'
Protein context (NP_066550.2, residues 678-698): LHSPSPSTQT[Pro688Ser]QPSAILSPCS